The following is an entry in ClinVar:

NM_001005242.3(PKP2):c.434T>G (p.Leu145Arg)

Gene: PKP2 (plakophilin 2; minus strand). Cytogenetic location: 12p11.21.
Variant type: single nucleotide variant.
Coding change: c.434T>G on transcript NM_001005242.3 (MANE Select); coding-DNA position 434, T replaced by G.
Protein change: p.Leu145Arg; replaces leucine 145 with arginine.
Molecular consequence: missense variant.
Genome position (GRCh38, 1-based): chr12:32,878,446, A>C on the plus strand (T>G on the coding strand, the complement: PKP2 is on the minus strand). VCF-style: chr12-32878446-A-C. GRCh37 (hg19) VCF-style: chr12-33031380-A-C.
Other names: c.434T>G, p.Leu145Arg (NM_001407155.1, NM_001407156.1, NM_001407157.1 and 2 more transcripts); c.107T>G, p.Leu36Arg (NM_001407158.1, NM_001407159.1, NM_001407160.1 and 1 more transcripts); short protein forms L145R, L36R.
Identifiers: ClinVar variation 3072718 (VCV003072718.1), dbSNP rs1248218497, ClinGen allele CA384365279.
Genomic context (GRCh38, chr12:32,878,446, plus strand): 5'-TCGCTGTGCGTGTAGTGAGCCCTCTCCGGGCTGCTGTCAGGAGAAATCTCCAGTCTCCTC[A>C]GAGGATGCCTCAAGGACCTTTCTTCCACGGACTTCTGGGAGCTGTACTGTGCTGTTCCTC-3'
Protein context (NP_001005242.2, residues 135-155): SVEERSLRHP[Leu145Arg]RRLEISPDSS

ClinVar aggregate classification (germline): Uncertain significance (1 of 4 stars; one submission).

Conditions:
Arrhythmogenic right ventricular cardiomyopathy (ARVD). Also called: Arrhythmogenic right ventricular dysplasia; Cardiomyopathy, ARVC; Arrhythmogenic cardiomyopathy; Arrhythmogenic Right Ventricular Cardiomyopathy (ARVC). Identifiers: Orphanet 247, MedGen C0349788, MeSH D019571, MONDO:0016587. Disease mechanism: loss of function. Inheritance: Various modes of inheritance.

Submission:

All of Us Research Program, National Institutes of Health
Classification: Uncertain significance for Arrhythmogenic right ventricular cardiomyopathy. Last evaluated: 2023-08-15. Review status: criteria provided, single submitter. Criteria: ACMG Guidelines, 2015. Collection method: clinical testing. Allele origin: germline. Inheritance: Autosomal dominant inheritance. Observed: 1 variant allele, 1 heterozygote.
Comment: This missense variant replaces leucine with arginine at codon 145 of the PKP2 protein. Computational prediction is inconclusive regarding the impact of this variant on protein structure and function (internally defined REVEL score threshold 0.5 < inconclusive < 0.7, PMID: 27666373). To our knowledge, functional studies have not been reported for this variant. This variant has not been reported in individuals affected with PKP2-related disorders in the literature. This variant has not been identified in the general population by the Genome Aggregation Database (gnomAD). The available evidence is insufficient to determine the role of this variant in disease conclusively. Therefore, this variant is classified as a Variant of Uncertain Significance.

This study involves interpretation of variants in research participants for the purpose of population health screening. Participant phenotype was not available at the time of variant classification. Additional details can be found in publication PMID: 35346344, PMCID: PMC8962531